The following is an entry in ClinVar:

NM_025099.6(CTC1):c.2522G>A (p.Arg841His)

Gene: CTC1 (CST telomere replication complex component 1; minus strand). Cytogenetic location: 17p13.1.
Variant type: single nucleotide variant.
Coding change: c.2522G>A on transcript NM_025099.6 (MANE Select); coding-DNA position 2522, G replaced by A.
Protein change: p.Arg841His; replaces arginine 841 with histidine.
Molecular consequence: missense variant. On other transcripts: non-coding transcript variant (1).
Genome position (GRCh38, 1-based): chr17:8,231,423, C>T on the plus strand (G>A on the coding strand, the complement: CTC1 is on the minus strand). VCF-style: chr17-8231423-C-T. GRCh37 (hg19) VCF-style: chr17-8134741-C-T.
Other names: short protein forms R841H.
Identifiers: ClinVar variation 967120 (VCV000967120.18), dbSNP rs780358670, ClinGen allele CA8372035.
Genomic context (GRCh38, chr17:8,231,423, plus strand): 5'-TCCAGAGTCCAGTTGTCCTGGACAGTGAGGCAGGATGCACAGCCAGCCAACTCCAGAGGA[C>T]GCCGAGATATGCAGGATGAACCATCCTTTTCAAACAACATTGGTGTCTGCACGGAAATGG-3'
Protein context (NP_079375.3, residues 831-851): EKDGSSCISR[Arg841His]PLELAGCASC

ClinVar aggregate classification (germline): Conflicting classifications of pathogenicity. Review status: criteria provided, conflicting classifications (1 of 4 stars). 5 submissions from 5 submitters: Uncertain significance (3); Likely benign (1). 1 of the submissions does not count toward it. Last evaluated 2026-01-27.

Conditions:
CTC1-related disorder. Also called: CTC1-related condition.
Dyskeratosis congenita. Identifiers: Orphanet 1775, MedGen C0265965, MONDO:0015780.
Cerebroretinal microangiopathy with calcifications and cysts 1 (CRMCC1). Identifiers: Orphanet 313838, MedGen C4552029, MONDO:0024564, OMIM 612199.

Allele frequency attached by ClinVar (database versions not stated): ExAC 0.00003; gnomAD exomes 0.00005 and 0.00018; gnomAD 0.00046 and 0.00049; TOPMed 0.00046.

Submissions (5):

Labcorp Genetics (formerly Invitae), Labcorp
Classification: Likely benign for Dyskeratosis congenita. Last evaluated: 2026-01-27. Review status: criteria provided, single submitter. Criteria: Invitae Variant Classification Sherloc (09022015). Collection method: clinical testing. Allele origin: germline.

GeneDx
Classification: Uncertain significance. Last evaluated: 2023-04-08. Review status: criteria provided, single submitter. Criteria: GeneDx Variant Classification Process June 2021. Collection method: clinical testing. Allele origin: germline. Affected: yes.
Comment: In silico analysis supports that this missense variant has a deleterious effect on protein structure/function; Has not been previously published as pathogenic or benign to our knowledge

Genome-Nilou Lab
Classification: Uncertain significance for Cerebroretinal microangiopathy with calcifications and cysts 1. Last evaluated: 2021-07-15. Review status: criteria provided, single submitter. Criteria: ACMG Guidelines, 2015. Collection method: clinical testing. Allele origin: germline. Affected: no.

Genetic Services Laboratory, University of Chicago
Classification: Uncertain significance. Last evaluated: 2019-10-01. Review status: criteria provided, single submitter. Criteria: ACMG Guidelines, 2015. Collection method: clinical testing. Allele origin: germline. Affected: no.

PreventionGenetics, part of Exact Sciences
Classification: Uncertain significance for CTC1-related condition. Last evaluated: 2024-08-01. Review status: no assertion criteria provided. Collection method: clinical testing. Allele origin: germline. Not counted in ClinVar's aggregate classification.
Comment: The CTC1 c.2522G>A variant is predicted to result in the amino acid substitution p.Arg841His. This variant has been reported as de novo in an individual with sporadic microtia with thoracic deformities (Yang et al. 2021. PubMed ID: 33811463). However, this variant is reported in 0.13% of alleles in individuals of Latino descent including one homozygous individual in gnomAD. Therefore, although we suspect that this variant may be benign, at this time, the clinical significance of this variant is uncertain due to the absence of conclusive functional and genetic evidence.